The following is an entry in ClinVar:

ClinVar aggregate classification (germline): Uncertain significance (1 of 4 stars; one submission).

Submission:

Labcorp Genetics (formerly Invitae), Labcorp
Classification: Uncertain significance. Last evaluated: 2024-06-20. Review status: criteria provided, single submitter. Criteria: Invitae Variant Classification Sherloc (09022015). Collection method: clinical testing. Allele origin: germline.
Comment: This variant, c.2212_2214del, results in the deletion of 1 amino acid(s) of the ATP2A2 protein (p.Asn738del), but otherwise preserves the integrity of the reading frame. This variant is not present in population databases (gnomAD no frequency). This variant has not been reported in the literature in individuals affected with ATP2A2-related conditions. Experimental studies and prediction algorithms are not available or were not evaluated, and the functional significance of this variant is currently unknown. In summary, the available evidence is currently insufficient to determine the role of this variant in disease. Therefore, it has been classified as a Variant of Uncertain Significance.

NM_170665.4(ATP2A2):c.2212_2214del (p.Asn738del)

Gene: ATP2A2 (ATPase sarcoplasmic/endoplasmic reticulum Ca2+ transporting 2; plus strand). Cytogenetic location: 12q24.11.
Variant type: Deletion.
Coding change: c.2212_2214del on transcript NM_170665.4 (MANE Select); coding-DNA positions 2212 to 2214, 3 bases deleted (AAC; older notation c.2212_2214delAAC).
Protein change: p.Asn738del; deletes asparagine 738.
Genome position (GRCh38, 1-based): chr12:110,342,342-110,342,344, AAC deleted; deleting any 3 consecutive bases within chr12:110,342,340-110,342,344 gives the same sequence; the c. name uses the placement nearest the transcript's 3' end. VCF-style (leftmost placement, unchanged base first): chr12-110342339-GACA-G. GRCh37 (hg19) VCF-style: chr12-110780144-GACA-G.
Other names: c.2107_2109del, p.Asn703del (NM_001413013.1); c.2212_2214del, p.Asn738del (NM_001413014.1, NM_001681.4); c.1837_1839del, p.Asn613del (NM_001413015.1); short protein forms N738del, N703del, N613del.
Identifiers: ClinVar variation 3657095 (VCV003657095.2).
Genomic context (GRCh38, chr12:110,342,339, plus strand): 5'-ATTGCTATGGGCTCTGGCACTGCGGTGGCTAAAACCGCCTCTGAGATGGTCCTGGCGGAT[GACA>G]ACTTCTCCACCATTGTGGCTGCCGTTGAGGAGGGGCGGGCAATCTACAACAACATGAAAC-3'